The following is an entry in ClinVar:

NM_032193.4(RNASEH2C):c.343G>A (p.Asp115Asn)

Gene: RNASEH2C (ribonuclease H2 subunit C; minus strand). Cytogenetic location: 11q13.1.
Variant type: single nucleotide variant.
Coding change: c.343G>A on transcript NM_032193.4 (MANE Select); coding-DNA position 343, G replaced by A.
Protein change: p.Asp115Asn; replaces aspartic acid 115 with asparagine.
Molecular consequence: missense variant.
Genome position (GRCh38, 1-based): chr11:65,720,247, C>T on the plus strand (G>A on the coding strand, the complement: RNASEH2C is on the minus strand). VCF-style: chr11-65720247-C-T. GRCh37 (hg19) VCF-style: chr11-65487718-C-T.
Other names: short protein forms D115N.
Identifiers: ClinVar variation 1992616 (VCV001992616.4), dbSNP rs769612292, ClinGen allele CA6107731.

ClinVar aggregate classification (germline): Uncertain significance (1 of 4 stars; one submission).

Conditions:
Aicardi-Goutieres syndrome 3. Identifiers: Orphanet 51, MedGen C1835916, MONDO:0012471, OMIM 610329.

Allele frequency attached by ClinVar (database versions not stated): ExAC 0.00001; gnomAD 0.00001; gnomAD exomes 0.00001; TOPMed 0.00001.

Submission:

Labcorp Genetics (formerly Invitae), Labcorp
Classification: Uncertain significance for Aicardi-Goutieres syndrome 3. Last evaluated: 2022-05-10. Review status: criteria provided, single submitter. Criteria: Invitae Variant Classification Sherloc (09022015). Collection method: clinical testing. Allele origin: germline.
Comment: In summary, the available evidence is currently insufficient to determine the role of this variant in disease. Therefore, it has been classified as a Variant of Uncertain Significance. Algorithms developed to predict the effect of missense changes on protein structure and function output the following: SIFT: "Tolerated"; PolyPhen-2: "Benign"; Align-GVGD: "Class C0". The asparagine amino acid residue is found in multiple mammalian species, which suggests that this missense change does not adversely affect protein function. This variant has not been reported in the literature in individuals affected with RNASEH2C-related conditions. This variant is present in population databases (rs769612292, gnomAD 0.0009%). This sequence change replaces aspartic acid, which is acidic and polar, with asparagine, which is neutral and polar, at codon 115 of the RNASEH2C protein (p.Asp115Asn).